The following is an entry in ClinVar:

NM_005476.7(GNE):c.102C>T (p.Thr34=)

Gene: GNE (glucosamine (UDP-N-acetyl)-2-epimerase/N-acetylmannosamine kinase; minus strand). Cytogenetic location: 9p13.3.
Variant type: single nucleotide variant.
Coding change: c.102C>T on transcript NM_005476.7 (MANE Select); coding-DNA position 102, C replaced by T.
Protein change: p.Thr34=; no amino-acid change (threonine 34 retained).
Molecular consequence: synonymous variant. On other transcripts: intron variant (3).
Genome position (GRCh38, 1-based): chr9:36,249,254, G>A on the plus strand (C>T on the coding strand, the complement: GNE is on the minus strand). VCF-style: chr9-36249254-G-A. GRCh37 (hg19) VCF-style: chr9-36249251-G-A.
Other names: c.195C>T, p.Thr65= (NM_001128227.3); c.102C>T, p.Thr34= (NM_001190383.3, NM_001374797.1); c.-13-2772C>T (NM_001190388.2, NM_001190384.3, NM_001374798.1).
Identifiers: ClinVar variation 705185 (VCV000705185.13), dbSNP rs147290887, ClinGen allele CA5056772.

ClinVar aggregate classification (germline): Likely benign. Review status: criteria provided, multiple submitters, no conflicts (2 of 4 stars). 4 submissions from 4 submitters: Likely benign (3). 1 of the submissions does not count toward it. Last evaluated 2026-09-01.

Conditions:
GNE-related disorder. Also called: GNE-related condition.
Sialuria. Also called: SIALURIA, FRENCH TYPE; Sialic Acid Storage Disease. Identifiers: Orphanet 3166, MedGen C0342853, MONDO:0010028, OMIM 269921.
GNE myopathy (NM). Also called: NONAKA DISTAL MYOPATHY; INCLUSION BODY MYOPATHY, HEREDITARY, AUTOSOMAL RECESSIVE; INCLUSION BODY MYOPATHY 2, AUTOSOMAL RECESSIVE; IBM 2; Inclusion body myopathy autosomal recessive; Inclusion body myopathy quadriceps sparing. Identifiers: Orphanet 602, MedGen C1853926, MONDO:0011603, OMIM 605820.

Allele frequency attached by ClinVar (database versions not stated): TOPMed 0.00003.
gnomAD v4.1: 102 of 1,614,122 alleles (0.0063%); highest among the groups gnomAD compares: South Asian, 0.076%; no homozygotes.

Submissions (4):

CeGaT Center for Human Genetics Tuebingen
Classification: Likely benign. Last evaluated: 2026-09-01. Review status: criteria provided, single submitter. Criteria: CeGaT Center For Human Genetics Tuebingen Variant Classification Criteria Version 2. Collection method: clinical testing. Allele origin: germline. Affected: yes. Observed: 1 variant allele.
Comment: GNE: BP4, BP7

Labcorp Genetics (formerly Invitae), Labcorp
Classification: Likely benign for Sialuria; GNE myopathy. Last evaluated: 2026-01-26. Review status: criteria provided, single submitter. Criteria: Invitae Variant Classification Sherloc (09022015). Collection method: clinical testing. Allele origin: germline.

Blueprint Genetics
Classification: Likely benign. Last evaluated: 2024-07-31. Review status: criteria provided, single submitter. Criteria: ACMG Guidelines, 2015. Collection method: clinical testing. Allele origin: germline.

PreventionGenetics, part of Exact Sciences
Classification: Likely benign for GNE-related condition. Last evaluated: 2020-10-15. Review status: no assertion criteria provided. Collection method: clinical testing. Allele origin: germline. Not counted in ClinVar's aggregate classification.
Comment: This variant is classified as likely benign based on ACMG/AMP sequence variant interpretation guidelines (Richards et al. 2015 PMID: 25741868, with internal and published modifications).